The following is an entry in ClinVar:

NM_000093.5(COL5A1):c.1081G>A (p.Glu361Lys)

Gene: COL5A1 (collagen type V alpha 1 chain; plus strand). Cytogenetic location: 9q34.3.
Variant type: single nucleotide variant.
Coding change: c.1081G>A on transcript NM_000093.5 (MANE Select); coding-DNA position 1081, G replaced by A.
Protein change: p.Glu361Lys; replaces glutamic acid 361 with lysine.
Molecular consequence: missense variant.
Genome position (GRCh38, 1-based): chr9:134,730,392, G>A. VCF-style: chr9-134730392-G-A. GRCh37 (hg19) VCF-style: chr9-137622238-G-A.
Other names: c.1081G>A, p.Glu361Lys (NM_001278074.1); short protein forms E361K.
Identifiers: ClinVar variation 1216689 (VCV001216689.4), dbSNP rs1834836876, ClinGen allele CA375449880.

ClinVar aggregate classification (germline): Uncertain significance. Review status: criteria provided, multiple submitters, no conflicts (2 of 4 stars). 2 submissions from 2 submitters: Uncertain significance (2). Last evaluated 2025-12-03.

Conditions:
Ehlers-Danlos syndrome, classic type, 1 (EDSCL1). Also called: EHLERS-DANLOS SYNDROME, GRAVIS TYPE; EHLERS-DANLOS SYNDROME, SEVERE CLASSIC TYPE; Ehlers-Danlos syndrome, type 1; Ehlers-Danlos Syndrome, Classic Type, COL5A1-Related; EDS I. Identifiers: MedGen C0268335, MONDO:0019567, OMIM 130000.

Allele frequency attached by ClinVar (database versions not stated): gnomAD exomes below 0.00001; TOPMed 0.00001.
gnomAD v4.1: 4 of 1,614,222 alleles (0.00025%); highest among the groups gnomAD compares: Middle Eastern, 0.016%; no homozygotes.

Submissions (2):

Labcorp Genetics (formerly Invitae), Labcorp
Classification: Uncertain significance for Ehlers-Danlos syndrome, classic type, 1. Last evaluated: 2025-12-03. Review status: criteria provided, single submitter. Criteria: Invitae Variant Classification Sherloc (09022015). Collection method: clinical testing. Allele origin: germline.
Comment: This sequence change replaces glutamic acid, which is acidic and polar, with lysine, which is basic and polar, at codon 361 of the COL5A1 protein (p.Glu361Lys). This variant is not present in population databases (gnomAD no frequency). This variant has not been reported in the literature in individuals affected with COL5A1-related conditions. ClinVar contains an entry for this variant (Variation ID: 1216689). Invitae Evidence Modeling of protein sequence and biophysical properties (such as structural, functional, and spatial information, amino acid conservation, physicochemical variation, residue mobility, and thermodynamic stability) indicates that this missense variant is not expected to disrupt COL5A1 protein function with a negative predictive value of 95%. In summary, the available evidence is currently insufficient to determine the role of this variant in disease. Therefore, it has been classified as a Variant of Uncertain Significance.

GeneDx
Classification: Uncertain significance. Last evaluated: 2020-09-24. Review status: criteria provided, single submitter. Criteria: GeneDx Variant Classification Process June 2021. Collection method: clinical testing. Allele origin: germline. Affected: yes.
Comment: Has not been previously published as pathogenic or benign to our knowledge; Not observed in large population cohorts (Lek et al., 2016); In silico analysis supports that this missense variant does not alter protein structure/function; Not located in the triple helical region, where the majority of pathogenic missense variants occur (Symoens et al., 2012; Stenson et al., 2014)